The following is an entry in ClinVar:

NM_017882.3(CLN6):c.634C>T (p.Leu212Phe)

Gene: CLN6 (CLN6 transmembrane ER protein; minus strand). Cytogenetic location: 15q23.
Variant type: single nucleotide variant.
Coding change: c.634C>T on transcript NM_017882.3 (MANE Select); coding-DNA position 634, C replaced by T.
Protein change: p.Leu212Phe; replaces leucine 212 with phenylalanine.
Molecular consequence: missense variant.
Genome position (GRCh38, 1-based): chr15:68,209,668, G>A on the plus strand (C>T on the coding strand, the complement: CLN6 is on the minus strand). VCF-style: chr15-68209668-G-A. GRCh37 (hg19) VCF-style: chr15-68502006-G-A.
Other names: short protein forms L212F.
Identifiers: ClinVar variation 575112 (VCV000575112.6), dbSNP rs751562146, ClinGen allele CA7630523.
Genomic context (GRCh38, chr15:68,209,668, plus strand): 5'-CCTCTGCCCCCATGCTGATGTCCACTCACCAGTAGTACAGGCCACTGGGTGCCACCAGGA[G>A]CAGGGCAGGCCCTGGAATCAAGCTCTCAGCTTTAGAGGCAGTAAAGCAGCCGCTGAAGTA-3'
Protein context (NP_060352.1, residues 202-222): AESLIPGPAL[Leu212Phe]LVAPSGLYYW

ClinVar aggregate classification (germline): Uncertain significance (1 of 4 stars; one submission).

Conditions:
Neuronal ceroid lipofuscinosis. Also called: Neuronal Ceroid Lipofuscinoses. Identifiers: Orphanet 216, Orphanet 79263, MedGen C0027877, MONDO:0016295. Disease mechanism: loss of function.

Allele frequency attached by ClinVar (database versions not stated): TOPMed below 0.00001; ExAC 0.00001; gnomAD exomes 0.00001 and 0.00003.
gnomAD v4.1: 6 of 1,613,496 alleles (0.00037%); highest among the groups gnomAD compares: Admixed American, 0.0067%; no homozygotes.

Submission:

Labcorp Genetics (formerly Invitae), Labcorp
Classification: Uncertain significance for Neuronal ceroid lipofuscinosis. Last evaluated: 2025-01-06. Review status: criteria provided, single submitter. Criteria: Invitae Variant Classification Sherloc (09022015). Collection method: clinical testing. Allele origin: germline.
Comment: This sequence change replaces leucine, which is neutral and non-polar, with phenylalanine, which is neutral and non-polar, at codon 212 of the CLN6 protein (p.Leu212Phe). This variant is present in population databases (rs751562146, gnomAD 0.01%). This variant has not been reported in the literature in individuals affected with CLN6-related conditions. ClinVar contains an entry for this variant (Variation ID: 575112). Invitae Evidence Modeling of protein sequence and biophysical properties (such as structural, functional, and spatial information, amino acid conservation, physicochemical variation, residue mobility, and thermodynamic stability) indicates that this missense variant is not expected to disrupt CLN6 protein function with a negative predictive value of 80%. In summary, the available evidence is currently insufficient to determine the role of this variant in disease. Therefore, it has been classified as a Variant of Uncertain Significance.